The following is an entry in ClinVar:

ClinVar aggregate classification (germline): Pathogenic (1 of 4 stars; one submission).

Conditions:
Familial thoracic aortic aneurysm and aortic dissection (TAAD). Also called: Thoracic aortic aneurysms and dissections. Identifiers: Orphanet 91387, MedGen C4707243, MONDO:0019625.

Submission:

Ambry Genetics
Classification: Pathogenic for Familial thoracic aortic aneurysm and aortic dissection. Last evaluated: 2024-10-10. Review status: criteria provided, single submitter. Criteria: Ambry Variant Classification Scheme 2023. Collection method: clinical testing. Allele origin: germline.
Comment: The p.E1401* pathogenic mutation (also known as c.4201G>T), located in coding exon 54 of the COL5A1 gene, results from a G to T substitution at nucleotide position 4201. This changes the amino acid from a glutamic acid to a stop codon within coding exon 54. This variant is considered to be rare based on population cohorts in the Genome Aggregation Database (gnomAD). This alteration is expected to result in loss of function by premature protein truncation or nonsense-mediated mRNA decay. As such, this alteration is interpreted as a disease-causing mutation.

NM_000093.5(COL5A1):c.4201G>T (p.Glu1401Ter)

Gene: COL5A1 (collagen type V alpha 1 chain; plus strand). Cytogenetic location: 9q34.3.
Variant type: single nucleotide variant.
Coding change: c.4201G>T on transcript NM_000093.5 (MANE Select); coding-DNA position 4201, G replaced by T.
Protein change: p.Glu1401Ter; replaces glutamic acid 1401 with a stop codon.
Molecular consequence: nonsense.
Genome position (GRCh38, 1-based): chr9:134,817,802, G>T. VCF-style: chr9-134817802-G-T. GRCh37 (hg19) VCF-style: chr9-137709648-G-T.
Other names: c.4201G>T, p.Glu1401Ter (NM_001278074.1); short protein forms E1401*.
Identifiers: ClinVar variation 3495556 (VCV003495556.1).
Genomic context (GRCh38, chr9:134,817,802, plus strand): 5'-CACACTCACCACCTGCTGTTCTCTTGCTTCTTTCAGGGTCCCCCAGGCCCCGCAGGCCCC[G>T]AAGGCAGACAGGGAGAGAAAGGGGCCAAGGTAACGTGTTTTGGAGCCAGGCTGTGACCGC-3'